The following is an entry in ClinVar:

ClinVar aggregate classification (germline): Conflicting classifications of pathogenicity. Review status: criteria provided, conflicting classifications (1 of 4 stars). 3 submissions from 3 submitters: Likely pathogenic (1); Uncertain significance (2). Last evaluated 2024-02-16.

Conditions:
Autosomal recessive Robinow syndrome (RRS1). Also called: COSTOVERTEBRAL SEGMENTATION DEFECT WITH MESOMELIA; COVESDEM SYNDROME; ROBINOW SYNDROME, AUTOSOMAL RECESSIVE 1; ROR2-Related Robinow Syndrome. Identifiers: Orphanet 1507, Orphanet 97360, MedGen C5399974, MONDO:0009999, OMIM 268310.

Allele frequency attached by ClinVar (database versions not stated): gnomAD 0.00001; gnomAD exomes 0.00001; TOPMed 0.00001; ExAC 0.00002; ESP Exome Variant Server 0.00008.

Submissions (3):

Labcorp Genetics (formerly Invitae), Labcorp
Classification: Uncertain significance. Last evaluated: 2024-02-16. Review status: criteria provided, single submitter. Criteria: Invitae Variant Classification Sherloc (09022015). Collection method: clinical testing. Allele origin: germline.
Comment: This sequence change creates a premature translational stop signal (p.Arg747*) in the ROR2 gene. While this is not anticipated to result in nonsense mediated decay, it is expected to disrupt the last 197 amino acid(s) of the ROR2 protein. This variant is present in population databases (rs374646337, gnomAD 0.003%). This premature translational stop signal has been observed in individual(s) with clinical features of brachydactyly (Invitae). It has also been observed to segregate with disease in related individuals. ClinVar contains an entry for this variant (Variation ID: 546024). Experimental studies and prediction algorithms are not available or were not evaluated, and the functional significance of this variant is currently unknown. In summary, the available evidence is currently insufficient to determine the role of this variant in disease. Therefore, it has been classified as a Variant of Uncertain Significance.

Department of Clinical Genetics, Copenhagen University Hospital, Rigshospitalet
Classification: Uncertain significance for Autosomal recessive Robinow syndrome. Last evaluated: 2021-08-01. Review status: criteria provided, single submitter. Criteria: ACMG Guidelines, 2015. Collection method: clinical testing. Allele origin: inherited. Affected: yes.

GeneDx
Classification: Likely pathogenic. Last evaluated: 2020-11-20. Review status: criteria provided, single submitter. Criteria: GeneDx Variant Classification Process June 2021. Collection method: clinical testing. Allele origin: germline. Affected: yes.
Comment: Nonsense variant in the C-terminus predicted to result in protein truncation, as the last 197 amino acids are lost, and other loss-of-function variants have been reported downstream in the Human Gene Mutation Database (Stenson et al., 2014); Not observed at a significant frequency in large population cohorts (Lek et al., 2016); Has not been previously published as pathogenic or benign to our knowledge

NM_004560.4(ROR2):c.2239C>T (p.Arg747Ter)

Gene: ROR2 (receptor tyrosine kinase like orphan receptor 2; minus strand). Cytogenetic location: 9q22.31.
Variant type: single nucleotide variant.
Coding change: c.2239C>T on transcript NM_004560.4 (MANE Select); coding-DNA position 2239, C replaced by T.
Protein change: p.Arg747Ter; replaces arginine 747 with a stop codon.
Molecular consequence: nonsense.
Genome position (GRCh38, 1-based): chr9:91,724,255, G>A on the plus strand (C>T on the coding strand, the complement: ROR2 is on the minus strand). VCF-style: chr9-91724255-G-A. GRCh37 (hg19) VCF-style: chr9-94486537-G-A.
Other names: short protein forms R747*.
Identifiers: ClinVar variation 546024 (VCV000546024.13), dbSNP rs374646337, ClinGen allele CA5120442.